The following is an entry in ClinVar:

ClinVar aggregate classification (germline): Benign. Review status: criteria provided, multiple submitters, no conflicts (2 of 4 stars). 9 submissions from 8 submitters: Benign (7). 2 of the submissions do not count toward it. Last evaluated 2026-01-17.

Conditions:
SYNE1-related disorder. Also called: SYNE1-related disorders; SYNE1-related disease; SYNE1-related condition.
Emery-Dreifuss muscular dystrophy 4, autosomal dominant (EDMD4). Also called: EMERY-DREIFUSS MUSCULAR DYSTROPHY 4 WITH VARIABLE FEATURES. Identifiers: Orphanet 261, MedGen C2751807, MONDO:0013071, OMIM 612998.
Autosomal recessive ataxia, Beauce type. Also called: SYNE1-Related Autosomal Recessive Cerebellar Ataxia; ATAXIA, RECESSIVE, OF BEAUCE; Spinocerebellar ataxia, autosomal recessive 8; SYNE1 Deficiency. Identifiers: Orphanet 88644, MedGen C1853116, MONDO:0012549, OMIM 610743.

Allele frequency attached by ClinVar (database versions not stated): gnomAD 0.00004 and 0.00067; TOPMed 0.00009; gnomAD exomes 0.00097 and 0.00192; ExAC 0.00203; 1000 Genomes Project 30x 0.00437; 1000 Genomes Project 0.00459.
gnomAD v4.1: 1,519 of 1,614,078 alleles (0.094%); highest among the groups gnomAD compares: South Asian, 1.6%; 23 homozygotes.

Submissions (9):

Labcorp Genetics (formerly Invitae), Labcorp
Classification: Benign for Emery-Dreifuss muscular dystrophy 4, autosomal dominant; Autosomal recessive ataxia, Beauce type. Last evaluated: 2026-01-17. Review status: criteria provided, single submitter. Criteria: Invitae Variant Classification Sherloc (09022015). Collection method: clinical testing. Allele origin: germline.

PreventionGenetics, part of Exact Sciences
Classification: Benign for SYNE1-related condition. Last evaluated: 2025-05-13. Review status: criteria provided, single submitter. Criteria: ACMG Guidelines, 2015. Collection method: clinical testing. Allele origin: germline.
Comment: This variant is classified as benign based on ACMG/AMP sequence variant interpretation guidelines (Richards et al. 2015 PMID: 25741868, with internal and published modifications).

Athena Diagnostics
Classification: Benign. Last evaluated: 2020-10-26. Review status: criteria provided, single submitter. Criteria: Athena Diagnostics criteria. Collection method: clinical testing. Allele origin: unknown.

GeneDx
Classification: Benign. Last evaluated: 2019-04-09. Review status: criteria provided, single submitter. Criteria: GeneDx Variant Classification Process June 2021. Collection method: clinical testing. Allele origin: germline. Affected: yes.

Illumina Laboratory Services, Illumina
Classification: Benign for Autosomal recessive ataxia, Beauce type. Last evaluated: 2018-01-13. Review status: criteria provided, single submitter. Criteria: ICSL Variant Classification Criteria 13 December 2019. Collection method: clinical testing. Allele origin: germline.
Comment: This variant was observed in the ICSL laboratory as part of a predisposition screen in an ostensibly healthy population. It had not been previously curated by ICSL or reported in the Human Gene Mutation Database (HGMD: prior to June 1st, 2018), and was therefore a candidate for classification through an automated scoring system. Utilizing variant allele frequency, disease prevalence and penetrance estimates, and inheritance mode, an automated score was calculated to assess if this variant is too frequent to cause the disease. Based on the score and internal cut-off values, a variant classified as benign is not then subjected to further curation. The score for this variant resulted in a classification of benign for this disease.

Illumina Laboratory Services, Illumina
Classification: Benign for Emery-Dreifuss muscular dystrophy 4, autosomal dominant. Last evaluated: 2018-01-13. Review status: criteria provided, single submitter. Criteria: ICSL Variant Classification Criteria 13 December 2019. Collection method: clinical testing. Allele origin: germline.
Comment: the same text as in the submission from Illumina Laboratory Services, Illumina above.

Eurofins Ntd Llc (ga)
Classification: Benign. Last evaluated: 2016-02-05. Review status: criteria provided, single submitter. Criteria: EGL Classification Definitions 2015. Collection method: clinical testing. Allele origin: germline. Observed: 3 variant alleles, 3 heterozygotes.

Clinical Genetics DNA and cytogenetics Diagnostics Lab, Erasmus MC, Erasmus Medical Center
Classification: Benign. Review status: no assertion criteria provided. Collection method: clinical testing. Allele origin: germline. Affected: yes. Study: VKGL Data-share Consensus. Not counted in ClinVar's aggregate classification.

Laboratory of Diagnostic Genome Analysis, Leiden University Medical Center (LUMC)
Classification: Likely benign. Review status: no assertion criteria provided. Collection method: clinical testing. Allele origin: germline. Affected: yes. Study: VKGL Data-share Consensus. Not counted in ClinVar's aggregate classification.

NM_182961.4(SYNE1):c.4610G>A (p.Arg1537Gln)

Gene: SYNE1 (spectrin repeat containing nuclear envelope protein 1; minus strand). Cytogenetic location: 6q25.2.
Variant type: single nucleotide variant.
Coding change: c.4610G>A on transcript NM_182961.4 (MANE Select); coding-DNA position 4610, G replaced by A.
Protein change: p.Arg1537Gln; replaces arginine 1537 with glutamine.
Molecular consequence: missense variant.
Genome position (GRCh38, 1-based): chr6:152,430,561, C>T on the plus strand (G>A on the coding strand, the complement: SYNE1 is on the minus strand). VCF-style: chr6-152430561-C-T. GRCh37 (hg19) VCF-style: chr6-152751696-C-T.
Other names: c.4631G>A, p.Arg1544Gln (NM_033071.5); short protein forms R1544Q, R1537Q.
Identifiers: ClinVar variation 281160 (VCV000281160.23), dbSNP rs369775705, ClinGen allele CA4058518.
Genomic context (GRCh38, chr6:152,430,561, plus strand): 5'-AACTTTTGCTGCTGAGATAAATGTCCCAGGATTGTTCCTTCCAGACACTGTGCATGCTCT[C>T]GAAGCTCTTCCCCGTATCTTCTTATTTGTGTCAACTTGGCTTTAATTCGAGCAGATTCTC-3'
Protein context (NP_892006.3, residues 1527-1547): TQIRRYGEEL[Arg1537Gln]EHAQCLEGTI